The following is an entry in ClinVar:

NM_032043.3(BRIP1):c.3037A>G (p.Thr1013Ala)

Gene: BRIP1 (BRCA1 interacting DNA helicase 1; minus strand). Cytogenetic location: 17q23.2.
Variant type: single nucleotide variant.
Coding change: c.3037A>G on transcript NM_032043.3 (MANE Select); coding-DNA position 3037, A replaced by G.
Protein change: p.Thr1013Ala; replaces threonine 1013 with alanine.
Molecular consequence: missense variant.
Genome position (GRCh38, 1-based): chr17:61,684,009, T>C on the plus strand (A>G on the coding strand, the complement: BRIP1 is on the minus strand). VCF-style: chr17-61684009-T-C. GRCh37 (hg19) VCF-style: chr17-59761370-T-C.
Other names: short protein forms T1013A.
Identifiers: ClinVar variation 481625 (VCV000481625.15), dbSNP rs1278002478, ClinGen allele CA400479938.

ClinVar aggregate classification (germline): Uncertain significance. Review status: criteria provided, multiple submitters, no conflicts (2 of 4 stars). 2 submissions from 2 submitters: Uncertain significance (2). Last evaluated 2026-01-06.

Conditions:
Hereditary cancer-predisposing syndrome. Also called: Hereditary neoplastic syndrome; Neoplastic Syndromes, Hereditary; Tumor predisposition; Hereditary Cancer Syndrome. Identifiers: Orphanet 140162, MedGen C0027672, MeSH D009386, MONDO:0015356.
Fanconi anemia complementation group J. Also called: BRIP1-Related Fanconi Anemia. Identifiers: Orphanet 84, MedGen C1836860, MONDO:0012187, OMIM 609054.
Familial cancer of breast. Also called: BREAST CANCER, FAMILIAL; Hereditary breast cancer; hereditary breast carcinoma. Identifiers: Orphanet 227535, MedGen C0346153, MONDO:0016419, OMIM 114480. Disease mechanism: loss of function.

Allele frequency attached by ClinVar (database versions not stated): gnomAD exomes below 0.00001; gnomAD 0.00001; TOPMed 0.00001.
gnomAD v4.1: 2 of 1,614,068 alleles (0.00012%); highest among the groups gnomAD compares: African/African-American, 0.0027%; no homozygotes.

Submissions (2):

Labcorp Genetics (formerly Invitae), Labcorp
Classification: Uncertain significance for Familial cancer of breast; Fanconi anemia complementation group J. Last evaluated: 2026-01-06. Review status: criteria provided, single submitter. Criteria: Invitae Variant Classification Sherloc (09022015). Collection method: clinical testing. Allele origin: germline.
Comment: This sequence change replaces threonine, which is neutral and polar, with alanine, which is neutral and non-polar, at codon 1013 of the BRIP1 protein (p.Thr1013Ala). This variant is not present in population databases (gnomAD no frequency). This variant has not been reported in the literature in individuals affected with BRIP1-related conditions. ClinVar contains an entry for this variant (Variation ID: 481625). Invitae Evidence Modeling of protein sequence and biophysical properties (such as structural, functional, and spatial information, amino acid conservation, physicochemical variation, residue mobility, and thermodynamic stability) indicates that this missense variant is not expected to disrupt BRIP1 protein function with a negative predictive value of 95%. In summary, the available evidence is currently insufficient to determine the role of this variant in disease. Therefore, it has been classified as a Variant of Uncertain Significance.

Ambry Genetics
Classification: Uncertain significance for Hereditary cancer-predisposing syndrome. Last evaluated: 2025-02-06. Review status: criteria provided, single submitter. Criteria: Ambry Variant Classification Scheme 2023. Collection method: clinical testing. Allele origin: germline.
Comment: The p.T1013A variant (also known as c.3037A>G), located in coding exon 19 of the BRIP1 gene, results from an A to G substitution at nucleotide position 3037. The threonine at codon 1013 is replaced by alanine, an amino acid with similar properties. This variant was not reported in population based cohorts in the following databases: Database of Single Nucleotide Polymorphisms (dbSNP), NHLBI Exome Sequencing Project (ESP), and 1000 Genomes Project. In the ESP, this variant was not observed in 6503 samples (13006 alleles) with coverage at this position. To date, this alteration has been detected with an allele frequency of approximately 0.001% (greater than 175000 alleles tested) in our clinical cohort. Based on protein sequence alignment, this amino acid position is not well conserved in available vertebrate species. In addition, this alteration is predicted to be tolerated by in silico analysis. Since supporting evidence is limited at this time, the clinical significance of p.T1013A remains unclear.